The following is an entry in ClinVar:

ClinVar aggregate classification (germline): Pathogenic. Review status: criteria provided, multiple submitters, no conflicts (2 of 4 stars). 3 submissions from 3 submitters: Pathogenic (2). 1 of the submissions does not count toward it. Last evaluated 2021-11-23.

Conditions:
X-linked Alport syndrome (ATS1). Also called: NEPHROPATHY AND DEAFNESS, X-LINKED; COL4A5-Related Nephropathy. Identifiers: Orphanet 63, Orphanet 88917, MedGen C4746986, MONDO:0010520, OMIM 301050.

Submissions (3):

Labcorp Genetics (formerly Invitae), Labcorp
Classification: Pathogenic. Last evaluated: 2021-11-23. Review status: criteria provided, single submitter. Criteria: Invitae Variant Classification Sherloc (09022015). Collection method: clinical testing. Allele origin: germline.
Comment: This sequence change creates a premature translational stop signal (p.Gln645*) in the COL4A5 gene. It is expected to result in an absent or disrupted protein product. Loss-of-function variants in COL4A5 are known to be pathogenic (PMID: 9195222, 10752524, 14514738, 24854265, 26809805). This variant is not present in population databases (gnomAD no frequency). This premature translational stop signal has been observed in individual(s) with clinical features of Alport syndrome (PMID: 29801666, 33633790). ClinVar contains an entry for this variant (Variation ID: 829955). For these reasons, this variant has been classified as Pathogenic.

Molecular Biology Laboratory, Fundació Puigvert
Classification: Pathogenic for X-linked Alport syndrome. Last evaluated: 2020-02-01. Review status: criteria provided, single submitter. Criteria: ACMG Guidelines, 2015. Collection method: research. Allele origin: de novo. Affected: yes. Study: KidneyPanel_2020.

Bioscientia Institut fuer Medizinische Diagnostik GmbH, Sonic Healthcare
Classification: Pathogenic for X-linked Alport syndrome. Last evaluated: 2019-04-30. Review status: no assertion criteria provided. Collection method: clinical testing. Allele origin: germline. Affected: yes. Not counted in ClinVar's aggregate classification.

Literature cited by the submitters: PubMed 9195222 (cited by Labcorp Genetics (formerly Invitae), Labcorp); PubMed 10752524 (cited by Labcorp Genetics (formerly Invitae), Labcorp); PubMed 14514738 (cited by Labcorp Genetics (formerly Invitae), Labcorp); PubMed 24854265 (cited by Labcorp Genetics (formerly Invitae), Labcorp); PubMed 26809805 (cited by Labcorp Genetics (formerly Invitae), Labcorp); PubMed 29801666 (cited by Labcorp Genetics (formerly Invitae), Labcorp); PubMed 33633790 (cited by Labcorp Genetics (formerly Invitae), Labcorp); PubMed 33532864 (cited by Molecular Biology Laboratory, Fundació Puigvert).

NM_033380.3(COL4A5):c.1933C>T (p.Gln645Ter)

Gene: COL4A5 (collagen type IV alpha 5 chain; plus strand). Cytogenetic location: Xq22.3.
Variant type: single nucleotide variant.
Coding change: c.1933C>T on transcript NM_033380.3 (MANE Select); coding-DNA position 1933, C replaced by T.
Protein change: p.Gln645Ter; replaces glutamine 645 with a stop codon.
Molecular consequence: nonsense.
Genome position (GRCh38, 1-based): chrX:108,598,855, C>T. VCF-style: chrX-108598855-C-T. GRCh37 (hg19) VCF-style: chrX-107842085-C-T.
Other names: c.1933C>T, p.Gln645Ter (NM_000495.5); short protein forms Q645*.
Identifiers: ClinVar variation 829955 (VCV000829955.9), dbSNP rs1603290796, ClinGen allele CA413845902.
Genomic context (GRCh38, chrX:108,598,855, plus strand): 5'-TTCGGCCCTCCAGGCCCAGTAGGTGAAAAAGGCATACAAGGTGTGGCAGGAAATCCAGGC[C>T]AGCCAGGAATACCAGGTAAGTTTACTGTGTTTTGTTTTAAACTTGGTGCTTAAAAACAGA-3'